The following is an entry in ClinVar:

NM_016239.4(MYO15A):c.6830T>G (p.Leu2277Arg)

Gene: MYO15A (myosin XVA; plus strand). Cytogenetic location: 17p11.2.
Variant type: single nucleotide variant.
Coding change: c.6830T>G on transcript NM_016239.4 (MANE Select); coding-DNA position 6830, T replaced by G.
Protein change: p.Leu2277Arg; replaces leucine 2277 with arginine.
Molecular consequence: missense variant.
Genome position (GRCh38, 1-based): chr17:18,148,826, T>G. VCF-style: chr17-18148826-T-G. GRCh37 (hg19) VCF-style: chr17-18052140-T-G.
Other names: short protein forms L2277R.
Identifiers: ClinVar variation 3236423 (VCV003236423.2), dbSNP rs2545278873, ClinGen allele CA398612451.

ClinVar aggregate classification (germline): Uncertain significance (1 of 4 stars; one submission).

Conditions:
Autosomal recessive nonsyndromic hearing loss 3. Also called: NEUROSENSORY NONSYNDROMIC RECESSIVE DEAFNESS 3. Identifiers: Orphanet 90636, MedGen C1838263, MONDO:0010860, OMIM 600316.

Submission:

Neuberg Centre For Genomic Medicine, NCGM
Classification: Uncertain significance for Autosomal recessive nonsyndromic hearing loss 3. Review status: criteria provided, single submitter. Criteria: ACMG Guidelines, 2015. Collection method: clinical testing. Allele origin: germline. Inheritance: Autosomal recessive inheritance. Affected: yes.
Comment: The missense variant c.6830T>G p.Leu2277Arg in the MYO15A gene has not been reported previously as a pathogenic variant nor as a benign variant, to our knowledge. This variant is novel not in any individuals in gnomAD Exomes and 1000 Genomes. The amino acid Leucine at position 2277 is changed to an Arginine changing protein sequence and it might alter its composition and physico-chemical properties. The variant is predicted as damaging by SIFT. The amino acid change p.Leu2277Arg in MYO15A is predicted as conserved by GERP++ and PhyloP across 100 vertebrates. For these reasons, this variant has been classified as Uncertain Significance.